The following is an entry in ClinVar:

ClinVar aggregate classification (germline): Uncertain significance (1 of 4 stars; one submission).

Conditions:
Inborn genetic diseases. Identifiers: MedGen C0950123, MeSH D030342.

Allele frequency attached by ClinVar (database versions not stated): gnomAD exomes below 0.00001.

Submission:

Ambry Genetics
Classification: Uncertain significance for Inborn genetic diseases. Last evaluated: 2022-04-25. Review status: criteria provided, single submitter. Criteria: Ambry Variant Classification Scheme 2023. Collection method: clinical testing. Allele origin: germline.
Comment: The p.D240G variant (also known as c.719A>G) is located in coding exon 9 of the ERCC2 gene. The aspartic acid at codon 240 is replaced by glycine, an amino acid with similar properties. This change occurs in the first base pair of coding exon 9. This amino acid position is conserved. In addition, this alteration is predicted to be deleterious by in silico analysis. Since supporting evidence is limited at this time, the clinical significance of this alteration remains unclear.

NM_000400.4(ERCC2):c.719A>G (p.Asp240Gly)

Gene: ERCC2 (ERCC excision repair 2, TFIIH core complex helicase subunit; minus strand). Cytogenetic location: 19q13.32.
Variant type: single nucleotide variant.
Coding change: c.719A>G on transcript NM_000400.4 (MANE Select); coding-DNA position 719, A replaced by G.
Protein change: p.Asp240Gly; replaces aspartic acid 240 with glycine.
Molecular consequence: missense variant.
Genome position (GRCh38, 1-based): chr19:45,364,331, T>C on the plus strand (A>G on the coding strand, the complement: ERCC2 is on the minus strand). VCF-style: chr19-45364331-T-C. GRCh37 (hg19) VCF-style: chr19-45867589-T-C.
Other names: c.647A>G, p.Asp216Gly (NM_001130867.2); short protein forms D216G, D240G.
Identifiers: ClinVar variation 1757613 (VCV001757613.2), dbSNP rs2514031282, ClinGen allele CA406374248.